The following is an entry in ClinVar:

ClinVar aggregate classification (germline): Pathogenic (1 of 4 stars; one submission).

Submission:

Labcorp Genetics (formerly Invitae), Labcorp
Classification: Pathogenic. Last evaluated: 2020-08-14. Review status: criteria provided, single submitter. Criteria: Invitae Variant Classification Sherloc (09022015). Collection method: clinical testing. Allele origin: germline.
Comment: Loss-of-function variants in LAMA3 are known to be pathogenic (PMID: 10366601, 11810295, 12915477, 16473856, 17362460, 23869449, 28087116). For these reasons, this variant has been classified as Pathogenic. This variant has not been reported in the literature in individuals with LAMA3-related conditions. This variant is not present in population databases (ExAC no frequency). This sequence change creates a premature translational stop signal (p.Ala674Glnfs*2) in the LAMA3 gene. It is expected to result in an absent or disrupted protein product.

Literature cited by the submitters: PubMed 10366601; PubMed 11810295; PubMed 12915477; PubMed 16473856; PubMed 17362460; PubMed 23869449; PubMed 28087116.

NM_198129.4(LAMA3):c.6847_6854del (p.Ala2283fs)

Gene: LAMA3 (laminin subunit alpha 3; plus strand). Cytogenetic location: 18q11.2.
Variant type: Deletion.
Coding change: c.6847_6854del on transcript NM_198129.4 (MANE Select); coding-DNA positions 6847 to 6854, 8 bases deleted (GCTATGAT; older notation c.6847_6854delGCTATGAT).
Protein change: p.Ala2283fs; shifts the reading frame from alanine 2283.
Molecular consequence: frameshift variant.
Genome position (GRCh38, 1-based): chr18:23,907,767-23,907,774, GCTATGAT deleted; deleting any 8 consecutive bases within chr18:23,907,763-23,907,774 gives the same sequence; the c. name uses the placement nearest the transcript's 3' end. VCF-style (leftmost placement, unchanged base first): chr18-23907762-TTGATGCTA-T. GRCh37 (hg19) VCF-style: chr18-21487726-TTGATGCTA-T.
Other names: c.2020_2027del, p.Ala674fs (NM_000227.6); c.6679_6686del, p.Ala2227fs (NM_001127717.4); c.1852_1859del, p.Ala618fs (NM_001127718.4); short protein forms A2227fs, A2283fs, A618fs, A674fs.
Identifiers: ClinVar variation 1072501 (VCV001072501.7), dbSNP rs2145182512, ClinGen allele CA2499225086.